The following is an entry in ClinVar:

ClinVar aggregate classification (germline): Pathogenic (1 of 4 stars; one submission).

Submission:

Labcorp Genetics (formerly Invitae), Labcorp
Classification: Pathogenic. Last evaluated: 2024-04-08. Review status: criteria provided, single submitter. Criteria: Invitae Variant Classification Sherloc (09022015). Collection method: clinical testing. Allele origin: germline.
Comment: This sequence change creates a premature translational stop signal (p.Glu282Argfs*36) in the COL9A2 gene. It is expected to result in an absent or disrupted protein product. Loss-of-function variants in COL9A2 are known to be pathogenic (PMID: 21671392, 33356723). This variant is not present in population databases (gnomAD no frequency). This variant has not been reported in the literature in individuals affected with COL9A2-related conditions. For these reasons, this variant has been classified as Pathogenic.

Literature cited by the submitters: PubMed 21671392; PubMed 33356723.

NM_001852.4(COL9A2):c.844del (p.Glu282fs)

Gene: COL9A2 (collagen type IX alpha 2 chain; minus strand). Cytogenetic location: 1p34.2.
Variant type: Deletion.
Coding change: c.844del on transcript NM_001852.4 (MANE Select); coding-DNA position 844, one base deleted (G; older notation c.844delG).
Protein change: p.Glu282fs; shifts the reading frame from glutamic acid 282.
Molecular consequence: frameshift variant.
Genome position (GRCh38, 1-based): chr1:40,309,940, C deleted on the plus strand (G on the coding strand, the reverse complement: COL9A2 is on the minus strand). VCF-style (leftmost placement, unchanged base first): chr1-40309939-TC-T. GRCh37 (hg19) VCF-style: chr1-40775611-TC-T.
Other names: short protein forms E282fs.
Identifiers: ClinVar variation 3671467 (VCV003671467.2).
Genomic context (GRCh38, chr1:40,309,939, plus strand): 5'-TTGTCCTGCCCAGTACTCCCCAGGGGTCCTGACTGAACAATGGGTGCCTGAGGACTCACC[TC>T]GTCACCCTTCTCCCCAGCTCGGCCTGGCGGTCCCCTAGGACCTTCCTCACCCTGGCAAGA-3'